The following is an entry in ClinVar:

NM_000038.6(APC):c.135+5053T>A

Gene: APC (APC regulator of WNT signaling pathway; plus strand). Cytogenetic location: 5q22.2.
Variant type: single nucleotide variant.
Coding change: c.135+5053T>A on transcript NM_000038.6 (MANE Select); 5053 bases into the intron after coding-DNA position 135, T replaced by A.
Molecular consequence: intron variant.
Genome position (GRCh38, 1-based): chr5:112,760,078, T>A. VCF-style: chr5-112760078-T-A. GRCh37 (hg19) VCF-style: chr5-112095775-T-A.
Other names: c.135+5053T>A (NM_001354895.2, NM_001127510.3, NM_001354896.2 and 2 more transcripts); c.166-6248T>A (NM_001354897.2, NM_001354902.2, NM_001127511.3); c.61-6248T>A (NM_001354898.2, NM_001354904.2); c.-901+5053T>A (NM_001354906.2); c.-42-6248T>A (NM_001354900.2, NM_001354901.2, NM_001354905.2).
Identifiers: ClinVar variation 82836 (VCV000082836.2), dbSNP rs4705624, ClinGen allele CA004421.

ClinVar aggregate classification (germline): other (0 of 4 stars; one submission).

Conditions:
Familial colorectal cancer. Identifiers: MedGen CN280943, MONDO:0023113. Disease mechanism: loss of function.

Allele frequency attached by ClinVar (database versions not stated): gnomAD 0.38566 and 0.39869; TOPMed 0.40198; 1000 Genomes Project 30x 0.42911; 1000 Genomes Project 0.43371.
gnomAD v4.1: 60,773 of 151,964 alleles (40%); highest among the groups gnomAD compares: East Asian, 65%; 14,637 homozygotes.

Submission:

Systems Biology Platform Zhejiang California International NanoSystems Institute
Classification: other for Familial colorectal cancer. Review status: no assertion criteria provided. Collection method: not provided. Allele origin: unknown.
ClinVar note: Converted during submission from cancer to other.